The following is an entry in ClinVar:

ClinVar aggregate classification (germline): Uncertain significance (1 of 4 stars; one submission).

Conditions:
Brown-Vialetto-van Laere syndrome 1. Also called: BROWN-VIALETTO-VAN LAERE SYNDROME 1, MILD; BULBAR PALSY, PROGRESSIVE, WITH SENSORINEURAL DEAFNESS; PONTOBULBAR PALSY WITH DEAFNESS. Identifiers: Orphanet 572550, Orphanet 97229, MedGen C0796274, MONDO:0024537, OMIM 211530.

Allele frequency attached by ClinVar (database versions not stated): gnomAD exomes below 0.00001.
gnomAD v4.1: 6 of 1,608,776 alleles (0.00037%); highest among the groups gnomAD compares: Non-Finnish European, 0.00051%; no homozygotes.

Submission:

Labcorp Genetics (formerly Invitae), Labcorp
Classification: Uncertain significance for Brown-Vialetto-van Laere syndrome 1. Last evaluated: 2021-09-24. Review status: criteria provided, single submitter. Criteria: Invitae Variant Classification Sherloc (09022015). Collection method: clinical testing. Allele origin: germline.
Comment: This sequence change replaces methionine with threonine at codon 447 of the SLC52A3 protein (p.Met447Thr). The methionine residue is highly conserved and there is a moderate physicochemical difference between methionine and threonine. This variant is not present in population databases (ExAC no frequency). This variant has not been reported in the literature in individuals with SLC52A3-related conditions. Algorithms developed to predict the effect of missense changes on protein structure and function are either unavailable or do not agree on the potential impact of this missense change (SIFT: "Deleterious"; PolyPhen-2: "Benign"; Align-GVGD: "Class C55"). In summary, the available evidence is currently insufficient to determine the role of this variant in disease. Therefore, it has been classified as a Variant of Uncertain Significance.

NM_033409.4(SLC52A3):c.1340T>C (p.Met447Thr)

Gene: SLC52A3 (solute carrier family 52 member 3; minus strand). Cytogenetic location: 20p13.
Variant type: single nucleotide variant.
Coding change: c.1340T>C on transcript NM_033409.4 (MANE Select); coding-DNA position 1340, T replaced by C.
Protein change: p.Met447Thr; replaces methionine 447 with threonine.
Molecular consequence: missense variant.
Genome position (GRCh38, 1-based): chr20:761,096, A>G on the plus strand (T>C on the coding strand, the complement: SLC52A3 is on the minus strand). VCF-style: chr20-761096-A-G. GRCh37 (hg19) VCF-style: chr20-741740-A-G.
Other names: c.1340T>C, p.Met447Thr (NM_001370085.1, NM_001370086.1); short protein forms M447T.
Identifiers: ClinVar variation 1431118 (VCV001431118.5), dbSNP rs2122505474, ClinGen allele CA407961847.